The following is an entry in ClinVar:

ClinVar aggregate classification (germline): Uncertain significance. Review status: criteria provided, multiple submitters, no conflicts (2 of 4 stars). 4 submissions from 4 submitters: Uncertain significance (4). Last evaluated 2025-12-13.

Conditions:
COL4A6-related disorder. Also called: COL4A6-related condition.

Allele frequency attached by ClinVar (database versions not stated): ExAC 0.00001; gnomAD 0.00002 and 0.00003; gnomAD exomes 0.00002 and 0.00008; TOPMed 0.00002.
gnomAD v4.1: 86 of 1,209,251 alleles (0.0071%); highest among the groups gnomAD compares: Middle Eastern, 0.023%; 1 homozygote.

Submissions (4):

Labcorp Genetics (formerly Invitae), Labcorp
Classification: Uncertain significance. Last evaluated: 2025-12-13. Review status: criteria provided, single submitter. Criteria: Invitae Variant Classification Sherloc (09022015). Collection method: clinical testing. Allele origin: germline.
Comment: This sequence change replaces serine, which is neutral and polar, with proline, which is neutral and non-polar, at codon 662 of the COL4A6 protein (p.Ser662Pro). This variant is present in population databases (rs772716977, gnomAD 0.005%). This variant has not been reported in the literature in individuals affected with COL4A6-related conditions. ClinVar contains an entry for this variant (Variation ID: 1385706). An algorithm developed to predict the effect of missense changes on protein structure and function outputs the following: PolyPhen-2: "Benign". The proline amino acid residue is found in multiple mammalian species, which suggests that this missense change does not adversely affect protein function. In summary, the available evidence is currently insufficient to determine the role of this variant in disease. Therefore, it has been classified as a Variant of Uncertain Significance.

PreventionGenetics, part of Exact Sciences
Classification: Uncertain significance for COL4A6-related condition. Last evaluated: 2025-07-15. Review status: criteria provided, single submitter. Criteria: ACMG Guidelines, 2015. Collection method: clinical testing. Allele origin: germline.
Comment: The COL4A6 c.1984T>C variant is predicted to result in the amino acid substitution p.Ser662Pro. To our knowledge, this variant has not been reported in the literature. This variant is reported in 0.0054% of alleles in individuals of European (Non-Finnish) descent in gnomAD v2 (as displayed in the table above). However, in gnomAD v4 (available only on GRCh38), this variant is reported in 0.023% of alleles in a subpopulation, including 29 hemizygotes. This population data is not consistent with this variant being a primary cause of disease. Although we suspect that this variant may be benign, at this time, the clinical significance of this variant is uncertain due to the absence of conclusive functional and genetic evidence.

Ambry Genetics
Classification: Uncertain significance. Last evaluated: 2023-06-29. Review status: criteria provided, single submitter. Criteria: Ambry Variant Classification Scheme 2023. Collection method: clinical testing. Allele origin: germline.

Breakthrough Genomics
Classification: Uncertain significance. Review status: criteria provided, single submitter. Criteria: ACMG Guidelines, 2015. Collection method: not provided. Allele origin: germline. Inheritance: X-linked recessive inheritance. Affected: yes.

NM_033641.4(COL4A6):c.1981T>C (p.Ser661Pro)

Gene: COL4A6 (collagen type IV alpha 6 chain; minus strand). Cytogenetic location: Xq22.3.
Variant type: single nucleotide variant.
Coding change: c.1981T>C on transcript NM_033641.4 (MANE Select); coding-DNA position 1981, T replaced by C.
Protein change: p.Ser661Pro; replaces serine 661 with proline.
Molecular consequence: missense variant.
Genome position (GRCh38, 1-based): chrX:108,180,939, A>G on the plus strand (T>C on the coding strand, the complement: COL4A6 is on the minus strand). VCF-style: chrX-108180939-A-G. GRCh37 (hg19) VCF-style: chrX-107424169-A-G.
Other names: c.2032T>C, p.Ser678Pro (NM_001287758.2); c.1981T>C, p.Ser661Pro (NM_001287759.2, NM_001287760.2); c.1984T>C, p.Ser662Pro (NM_001847.4); c.1984T>C (NM_001847.2, NM_001847.3); short protein forms S678P, S661P, S662P.
Identifiers: ClinVar variation 1385706 (VCV001385706.12), dbSNP rs772716977, ClinGen allele CA10487720.
Genomic context (GRCh38, chrX:108,180,939, plus strand): 5'-TCTGGCCTCATTCCATACCTGGGAATCCGGGAGTGCCTGGAAATCCTGATGGACCGTATG[A>G]CCCAGGAATAATACAGGGCAGGGTGATTCCTGTAAATGGTAACATGTGTGCATTCAGTGA-3'
Protein context (NP_378667.1, residues 651-671): GITLPCIIPG[Ser661Pro]YGPSGFPGTP